The following is an entry in ClinVar:

NM_032444.4(SLX4):c.2090C>T (p.Thr697Met)

Gene: SLX4 (SLX4 structure-specific endonuclease subunit; minus strand). Cytogenetic location: 16p13.3.
Variant type: single nucleotide variant.
Coding change: c.2090C>T on transcript NM_032444.4 (MANE Select); coding-DNA position 2090, C replaced by T.
Protein change: p.Thr697Met; replaces threonine 697 with methionine.
Molecular consequence: missense variant.
Genome position (GRCh38, 1-based): chr16:3,594,523, G>A on the plus strand (C>T on the coding strand, the complement: SLX4 is on the minus strand). VCF-style: chr16-3594523-G-A. GRCh37 (hg19) VCF-style: chr16-3644524-G-A.
Other names: short protein forms T697M.
Identifiers: ClinVar variation 1518865 (VCV001518865.5), dbSNP rs554989399, ClinGen allele CA7866297.

ClinVar aggregate classification (germline): Uncertain significance (1 of 4 stars; one submission).

Conditions:
Fanconi anemia (FA). Also called: Fanconi's anemia. Identifiers: Orphanet 84, MedGen C0015625, MeSH D005199, MONDO:0019391.

Allele frequency attached by ClinVar (database versions not stated): gnomAD 0.00001 and 0.00004; ExAC 0.00002; gnomAD exomes 0.00002; TOPMed 0.00002; 1000 Genomes Project 30x 0.00031; 1000 Genomes Project 0.00040.
gnomAD v4.1: 30 of 1,614,130 alleles (0.0019%); highest among the groups gnomAD compares: South Asian, 0.021%; no homozygotes.

Submission:

Labcorp Genetics (formerly Invitae), Labcorp
Classification: Uncertain significance for Fanconi anemia. Last evaluated: 2024-10-23. Review status: criteria provided, single submitter. Criteria: Invitae Variant Classification Sherloc (09022015). Collection method: clinical testing. Allele origin: germline.
Comment: This sequence change replaces threonine, which is neutral and polar, with methionine, which is neutral and non-polar, at codon 697 of the SLX4 protein (p.Thr697Met). This variant is present in population databases (rs554989399, gnomAD 0.02%). This variant has not been reported in the literature in individuals affected with SLX4-related conditions. ClinVar contains an entry for this variant (Variation ID: 1518865). An algorithm developed to predict the effect of missense changes on protein structure and function outputs the following: PolyPhen-2: "Benign". The methionine amino acid residue is found in multiple mammalian species, which suggests that this missense change does not adversely affect protein function. In summary, the available evidence is currently insufficient to determine the role of this variant in disease. Therefore, it has been classified as a Variant of Uncertain Significance.